The following is an entry in ClinVar:

ClinVar aggregate classification (germline): Uncertain significance (1 of 4 stars; one submission).

Submission:

GeneDx
Classification: Uncertain significance. Last evaluated: 2022-02-15. Review status: criteria provided, single submitter. Criteria: GeneDx Variant Classification Process June 2021. Collection method: clinical testing. Allele origin: germline. Affected: yes.
Comment: Not observed at significant frequency in large population cohorts (gnomAD); In silico analysis supports a deleterious effect on protein structure/function; Has not been previously published as pathogenic or benign to our knowledge; This variant is associated with the following publications: (PMID: 21139634, 26094131)

NM_014946.4(SPAST):c.1212_1215delinsAAAA (p.Phe404_Asn405delinsLeuLys)

Gene: SPAST (spastin; plus strand). Cytogenetic location: 2p22.3.
Variant type: Indel.
Coding change: c.1212_1215delinsAAAA on transcript NM_014946.4 (MANE Select); coding-DNA positions 1212 to 1215, TAAT replaced by AAAA.
Protein change: p.Phe404_Asn405delinsLeuLys.
Molecular consequence: missense variant.
Genome position (GRCh38, 1-based): chr2:32,128,446-32,128,449, TAAT replaced by AAAA. VCF-style: chr2-32128446-TAAT-AAAA. GRCh37 (hg19) VCF-style: chr2-32353515-TAAT-AAAA.
Other names: c.1209_1212delinsAAAA, p.Phe403_Asn404delinsLeuLys (NM_001363823.2); c.1113_1116delinsAAAA, p.Phe371_Asn372delinsLeuLys (NM_001363875.2); c.1116_1119delinsAAAA, p.Phe372_Asn373delinsLeuLys (NM_001377959.1, NM_199436.2).
Identifiers: ClinVar variation 1703284 (VCV001703284.2), dbSNP rs2465864857, ClinGen allele CA2580066403.
Genomic context (GRCh38, chr2:32,128,446, plus strand): 5'-TTTGCTCTTGTGATTTTTAAAGGCTAAAGCAGTAGCTGCAGAATCGAATGCAACCTTCTT[TAAT>AAAA]ATAAGTGCTGCAAGTTTAACTTCAAAATACGTGAGTGCTCTGTTTCCAATATTGTCGTAT-3'